The following is an entry in ClinVar:

ClinVar aggregate classification (germline): Uncertain significance (0 of 4 stars; one submission).

Conditions:
DMD-related disorder. Also called: DMD-related condition.

Submission:

PreventionGenetics, part of Exact Sciences
Classification: Uncertain significance for DMD-related condition. Last evaluated: 2024-09-23. Review status: no assertion criteria provided. Collection method: clinical testing. Allele origin: germline.
Comment: The DMD c.11002C>T variant is predicted to result in the amino acid substitution p.Pro3668Ser. To our knowledge, this variant has not been reported in the literature or in a large population database, indicating this variant is rare. At this time, the clinical significance of this variant is uncertain due to the absence of conclusive functional and genetic evidence.

NM_004006.3(DMD):c.11002C>T (p.Pro3668Ser)

Gene: DMD (dystrophin; minus strand). Cytogenetic location: Xp21.2.
Variant type: single nucleotide variant.
Coding change: c.11002C>T on transcript NM_004006.3 (MANE Select); coding-DNA position 11002, C replaced by T.
Protein change: p.Pro3668Ser; replaces proline 3668 with serine.
Molecular consequence: missense variant.
Genome position (GRCh38, 1-based): chrX:31,134,114, G>A on the plus strand (C>T on the coding strand, the complement: DMD is on the minus strand). VCF-style: chrX-31134114-G-A. GRCh37 (hg19) VCF-style: chrX-31152231-G-A.
Other names: c.10978C>T, p.Pro3660Ser (NM_000109.4); c.10990C>T, p.Pro3664Ser (NM_004009.3); c.10633C>T, p.Pro3545Ser (NM_004010.3); c.6979C>T, p.Pro2327Ser (NM_004011.4); c.6970C>T, p.Pro2324Ser (NM_004012.4); c.3622C>T, p.Pro1208Ser (NM_004013.3, NM_004021.3); c.2815C>T, p.Pro939Ser (NM_004014.3); c.1798C>T, p.Pro600Ser (NM_004015.3, NM_004016.3); and 3 more; short protein forms P1098S, P1195S, P1208S, P2324S, P2327S, P3545S, P3660S, P3664S.
Identifiers: ClinVar variation 3345604 (VCV003345604.1).
Genomic context (GRCh38, chrX:31,134,114, plus strand): 5'-TGGCCTGATCCCAGCAAATCTGAGTCCCTTCTAGGTATTGGAGCTTACCTCTTGAACTAG[G>A]GAAGGAGTTGTTGAGTTGCTCCATCACCTCCTCTAACCCTGTGCTTGTGTCCTGGGGAGG-3'
Protein context (NP_003997.2, residues 3658-3678): EVMEQLNNSF[Pro3668Ser]SSRGRNTPGK